The following is an entry in ClinVar:

ClinVar aggregate classification (germline): Uncertain significance (1 of 4 stars; one submission).

Conditions:
Saldino-Mainzer syndrome (SRTD9). Also called: CONORENAL SYNDROME; Renal dysplasia, retinal pigmentary dystrophy, cerebellar ataxia and skeletal dysplasia; SHORT-RIB THORACIC DYSPLASIA 9 WITHOUT POLYDACTYLY; short-rib thoracic dysplasia 9 with or without polydactyly. Identifiers: Orphanet 140969, MedGen C1849437, MONDO:0009964, OMIM 266920.

Submission:

Labcorp Genetics (formerly Invitae), Labcorp
Classification: Uncertain significance for Saldino-Mainzer syndrome. Last evaluated: 2021-10-25. Review status: criteria provided, single submitter. Criteria: Invitae Variant Classification Sherloc (09022015). Collection method: clinical testing. Allele origin: germline.
Comment: This variant results in a copy number gain of the genomic region encompassing exon(s) 15-19 of the IFT140 gene. While the exact position of this variant cannot be determined from the data, sub-genic copy number gains are generally in tandem (PMID: 25640679). This variant is predicted to be in-frame, and likely preserves the integrity of the reading frame. In summary, the available evidence is currently insufficient to determine the role of this variant in disease. Therefore, it has been classified as a Variant of Uncertain Significance. Experimental studies and prediction algorithms are not available or were not evaluated, and the functional significance of this variant is currently unknown. This variant has not been reported in the literature in individuals affected with IFT140-related conditions.

Literature cited by the submitters: PubMed 25640679.

NC_000016.9:g.(?_1607916)_(1618355_?)dup

Gene: IFT140 (intraflagellar transport 140; minus strand). Cytogenetic location: 16p13.3.
Variant type: Duplication.
Identifiers: ClinVar variation 2425968 (VCV002425968.4).